The following is an entry in ClinVar:

NM_005215.4(DCC):c.1268C>G (p.Pro423Arg)

Gene: DCC (DCC netrin 1 receptor; plus strand). Cytogenetic location: 18q21.2.
Variant type: single nucleotide variant.
Coding change: c.1268C>G on transcript NM_005215.4 (MANE Select); coding-DNA position 1268, C replaced by G.
Protein change: p.Pro423Arg; replaces proline 423 with arginine.
Molecular consequence: missense variant.
Genome position (GRCh38, 1-based): chr18:53,157,362, C>G. VCF-style: chr18-53157362-C-G. GRCh37 (hg19) VCF-style: chr18-50683732-C-G.
Other names: short protein forms P423R.
Identifiers: ClinVar variation 2503235 (VCV002503235.1), dbSNP rs769562862, ClinGen allele CA8966810.

ClinVar aggregate classification (germline): Uncertain significance (1 of 4 stars; one submission).

Allele frequency attached by ClinVar (database versions not stated): gnomAD 0.00002; TOPMed 0.00003; gnomAD exomes 0.00004; ExAC 0.00012.
gnomAD v4.1: 26 of 1,613,950 alleles (0.0016%); highest among the groups gnomAD compares: Admixed American, 0.04%; no homozygotes.

Submission:

GeneDx
Classification: Uncertain significance. Last evaluated: 2022-11-25. Review status: criteria provided, single submitter. Criteria: GeneDx Variant Classification Process June 2021. Collection method: clinical testing. Allele origin: germline. Affected: yes.
Comment: In silico analysis supports that this missense variant does not alter protein structure/function; Has not been previously published as pathogenic or benign to our knowledge